The following is an entry in ClinVar:

ClinVar aggregate classification (germline): Conflicting classifications of pathogenicity. Review status: criteria provided, conflicting classifications (1 of 4 stars). 10 submissions from 9 submitters: Uncertain significance (9); Likely benign (1). Last evaluated 2026-02-04.

Conditions:
Cardiovascular phenotype. Identifiers: MedGen CN230736.
Hereditary cancer-predisposing syndrome. Also called: Tumor predisposition; Hereditary neoplastic syndrome; Hereditary Cancer Syndrome; Neoplastic Syndromes, Hereditary. Identifiers: Orphanet 140162, MedGen C0027672, MeSH D009386, MONDO:0015356.
Neurofibromatosis, familial spinal (FSNF). Identifiers: Orphanet 636, MedGen C1834235, MONDO:0008078, OMIM 162210. Disease mechanism: loss of function.
Neurofibromatosis, type 1 (NF1). Also called: VON RECKLINGHAUSEN DISEASE; Peripheral type neurofibromatosis; NEUROFIBROMATOSIS, TYPE I, SOMATIC; Neurofibromatosis, type I. Identifiers: Orphanet 636, MedGen C0027831, MONDO:0018975, OMIM 162200. Disease mechanism: loss of function.
Neurofibromatosis-Noonan syndrome (NFNS). Also called: NEUROFIBROMATOSIS WITH NOONAN PHENOTYPE. Identifiers: Orphanet 638, MedGen C2931482, MONDO:0011035, OMIM 601321. Disease mechanism: loss of function.
Café-au-lait macules with pulmonary stenosis (WTSN). Also called: PULMONIC STENOSIS WITH CAFE-AU-LAIT SPOTS. Identifiers: MedGen C0553586, MONDO:0008672, OMIM 193520.
Juvenile myelomonocytic leukemia (JMML). Also called: LEUKEMIA, JUVENILE MYELOMONOCYTIC, SOMATIC. Identifiers: Orphanet 86834, MedGen C0349639, MONDO:0011908, OMIM 607785, HP:0012209.

Allele frequency attached by ClinVar (database versions not stated): gnomAD exomes 0.00001; ExAC 0.00001; gnomAD 0.00002; TOPMed 0.00001.
gnomAD v4.1: 16 of 1,614,012 alleles (0.00099%); highest among the groups gnomAD compares: East Asian, 0.0022%; no homozygotes.

Submissions (10):

Dasa
Classification: Uncertain significance. Last evaluated: 2026-02-04. Review status: criteria provided, single submitter. Criteria: DASA Assertion Criteria. Collection method: clinical testing. Allele origin: germline.
Comment: NM_001042492.3(NF1):c.5423C>T (p.Thr1808Met) is a missense variant that results in the substitution of threonine with methionine. Functional evidence supports an impact on the gene or gene product (PMID: 27791021; PMID: 30287823). Also, this variant is rare in population databases. Computational prediction algorithms are consistent with a deleterious effect. The currently available literature and clinical evidence are not sufficient to establish a definitive association between this variant and the reported condition. Therefore, this variant is classified as a variant of uncertain significance.

Labcorp Genetics (formerly Invitae), Labcorp
Classification: Likely benign for Neurofibromatosis, type 1. Last evaluated: 2026-01-13. Review status: criteria provided, single submitter. Criteria: Invitae Variant Classification Sherloc (09022015). Collection method: clinical testing. Allele origin: germline.

Fulgent Genetics
Classification: Uncertain significance for Neurofibromatosis, type 1; Neurofibromatosis, familial spinal; Café-au-lait macules with pulmonary stenosis; Neurofibromatosis-Noonan syndrome; Juvenile myelomonocytic leukemia. Last evaluated: 2024-06-02. Review status: criteria provided, single submitter. Criteria: ACMG Guidelines, 2015. Collection method: clinical testing. Allele origin: germline.

Quest Diagnostics Nichols Institute San Juan Capistrano
Classification: Uncertain significance. Last evaluated: 2023-10-03. Review status: criteria provided, single submitter. Criteria: Quest Diagnostics criteria. Collection method: clinical testing. Allele origin: unknown.

Genome-Nilou Lab
Classification: Uncertain significance for Neurofibromatosis, type 1. Last evaluated: 2022-03-15. Review status: criteria provided, single submitter. Criteria: ACMG Guidelines, 2015. Collection method: clinical testing. Allele origin: germline. Affected: no.

Ambry Genetics
Classification: Uncertain significance for Cardiovascular phenotype; Hereditary cancer-predisposing syndrome. Last evaluated: 2022-01-26. Review status: criteria provided, single submitter. Criteria: Ambry Variant Classification Scheme 2023. Collection method: clinical testing. Allele origin: germline.

Mayo Clinic Laboratories, Mayo Clinic
Classification: Uncertain significance. Last evaluated: 2021-12-21. Review status: criteria provided, single submitter. Criteria: ACMG Guidelines, 2015. Collection method: clinical testing. Allele origin: germline.

GeneDx
Classification: Uncertain significance. Last evaluated: 2021-10-21. Review status: criteria provided, single submitter. Criteria: GeneDx Variant Classification Process June 2021. Collection method: clinical testing. Allele origin: germline. Affected: yes.
Comment: In silico analysis supports that this missense variant has a deleterious effect on protein structure/function; Observed in an individual with breast cancer (Momozawa 2018); This variant is associated with the following publications: (PMID: 16835897, 30287823, 21089070, 30104198)

Mendelics
Classification: Uncertain significance for Neurofibromatosis, type 1. Last evaluated: 2019-05-28. Review status: criteria provided, single submitter. Criteria: Mendelics Assertion Criteria 2017. Collection method: clinical testing. Allele origin: unknown.

Ambry Genetics
Classification: Uncertain significance for Hereditary cancer-predisposing syndrome. Last evaluated: 2015-01-02. Review status: criteria provided, single submitter. Criteria: Ambry Autosomal Dominant and X-Linked criteria (10/2015). Collection method: clinical testing. Allele origin: germline. Observed: 1 variant allele.
Comment: Thep.T1808Mvariant (also known as c.5423C>T) located in coding exon 38 of theNF1gene, results from a C to T substitution at nucleotide position 5423. The threonine at codon 1808 is replaced by methionine, an amino acid with similar properties. This variant was not reported in population based cohorts in the following databases: Database of Single Nucleotide Polymorphisms (dbSNP), NHLBI Exome Sequencing Project (ESP), and 1000 Genomes Project. In the ESP, this variant was not observed in 6503 samples (13006 alleles) with coverage at this position. To date, this alteration has been detected with an allele frequency of approximately 0.003% (greater than 30000 alleles tested) in our clinical cohort. This amino acid position is highly conserved in available vertebrate species. In addition, this alteration is predicted to be deleterious by in silico analysis. Since supporting evidence is limited at this time, the clinical significance of p.T1808M remains unclear. This alteration has also been designated as p.T1787M(c.5360C>T) in published literature.

Literature cited by the submitters: PubMed 27791021 (cited by Dasa and Quest Diagnostics Nichols Institute San Juan Capistrano); PubMed 30287823 (cited by Dasa and Quest Diagnostics Nichols Institute San Juan Capistrano); PubMed 16835897 (cited by Quest Diagnostics Nichols Institute San Juan Capistrano and Ambry Genetics); PubMed 22105171 (cited by Quest Diagnostics Nichols Institute San Juan Capistrano); PubMed 33471991 (cited by Quest Diagnostics Nichols Institute San Juan Capistrano).

NM_001042492.3(NF1):c.5423C>T (p.Thr1808Met)

Gene: NF1 (neurofibromin 1; plus strand). Cytogenetic location: 17q11.2.
Variant type: single nucleotide variant.
Coding change: c.5423C>T on transcript NM_001042492.3 (MANE Select); coding-DNA position 5423, C replaced by T.
Protein change: p.Thr1808Met; replaces threonine 1808 with methionine.
Molecular consequence: missense variant.
Genome position (GRCh38, 1-based): chr17:31,327,653, C>T. VCF-style: chr17-31327653-C-T. GRCh37 (hg19) VCF-style: chr17-29654671-C-T.
Other names: p.Thr1787Met; c.5360C>T, p.Thr1787Met (NM_000267.4); short protein forms T1787M, T1808M.
Identifiers: ClinVar variation 229848 (VCV000229848.25), dbSNP rs760649828, ClinGen allele CA8487179.